The following is an entry in ClinVar:

NM_006231.4(POLE):c.2135G>T (p.Arg712Leu)

Gene: POLE (DNA polymerase epsilon, catalytic subunit; minus strand). Cytogenetic location: 12q24.33.
Variant type: single nucleotide variant.
Coding change: c.2135G>T on transcript NM_006231.4 (MANE Select); coding-DNA position 2135, G replaced by T.
Protein change: p.Arg712Leu; replaces arginine 712 with leucine.
Molecular consequence: missense variant.
Genome position (GRCh38, 1-based): chr12:132,668,394, C>A on the plus strand (G>T on the coding strand, the complement: POLE is on the minus strand). VCF-style: chr12-132668394-C-A. GRCh37 (hg19) VCF-style: chr12-133244980-C-A.
Other names: short protein forms R712L.
Identifiers: ClinVar variation 581851 (VCV000581851.14), dbSNP rs115225325, ClinGen allele CA387353751.
Genomic context (GRCh38, chr12:132,668,394, plus strand): 5'-GTGACCATGCCCAGGCACTCACCCGCCAGCCTTCTCTTCTCGTATTTCGCCTGTTCCTCG[C>A]GGGACAGTTCATGAAAGGCCCGAGCTGGCCCCTCTGGGAACAAGGGGGGGAACTTCTCTG-3'
Protein context (NP_006222.2, residues 702-722): GPARAFHELS[Arg712Leu]EEQAKYEKRR

ClinVar aggregate classification (germline): Uncertain significance. Review status: criteria provided, multiple submitters, no conflicts (2 of 4 stars). 2 submissions from 2 submitters: Uncertain significance (2). Last evaluated 2025-11-25.

Conditions:
Hereditary cancer-predisposing syndrome. Also called: Neoplastic Syndromes, Hereditary; Hereditary Cancer Syndrome; Tumor predisposition; Hereditary neoplastic syndrome. Identifiers: Orphanet 140162, MedGen C0027672, MeSH D009386, MONDO:0015356.

gnomAD v4.1: 1 of 1,608,868 alleles (0.000062%); highest among the groups gnomAD compares: Middle Eastern, 0.017%; no homozygotes.

Submissions (2):

Ambry Genetics
Classification: Uncertain significance for Hereditary cancer-predisposing syndrome. Last evaluated: 2025-11-25. Review status: criteria provided, single submitter. Criteria: Ambry Variant Classification Scheme 2023. Collection method: clinical testing. Allele origin: germline.
Comment: The p.R712L variant (also known as c.2135G>T), located in coding exon 19 of the POLE gene, results from a G to T substitution at nucleotide position 2135. The arginine at codon 712 is replaced by leucine, an amino acid with dissimilar properties. This amino acid position is conserved. In addition, the in silico prediction for this alteration is inconclusive. Since supporting evidence is limited at this time, the clinical significance of this alteration remains unclear.

Labcorp Genetics (formerly Invitae), Labcorp
Classification: Uncertain significance. Last evaluated: 2023-10-14. Review status: criteria provided, single submitter. Criteria: Invitae Variant Classification Sherloc (09022015). Collection method: clinical testing. Allele origin: germline.
Comment: This sequence change replaces arginine, which is basic and polar, with leucine, which is neutral and non-polar, at codon 712 of the POLE protein (p.Arg712Leu). This variant is not present in population databases (gnomAD no frequency). This variant has not been reported in the literature in individuals affected with POLE-related conditions. ClinVar contains an entry for this variant (Variation ID: 581851). Advanced modeling of protein sequence and biophysical properties (such as structural, functional, and spatial information, amino acid conservation, physicochemical variation, residue mobility, and thermodynamic stability) performed at Invitae indicates that this missense variant is not expected to disrupt POLE protein function. In summary, the available evidence is currently insufficient to determine the role of this variant in disease. Therefore, it has been classified as a Variant of Uncertain Significance.